The following is an entry in ClinVar:

NM_006267.5(RANBP2):c.6857A>G (p.Gln2286Arg)

Gene: RANBP2 (RAN binding protein 2; plus strand). Cytogenetic location: 2q13.
Variant type: single nucleotide variant.
Coding change: c.6857A>G on transcript NM_006267.5 (MANE Select); coding-DNA position 6857, A replaced by G.
Protein change: p.Gln2286Arg; replaces glutamine 2286 with arginine.
Molecular consequence: missense variant.
Genome position (GRCh38, 1-based): chr2:108,767,396, A>G. VCF-style: chr2-108767396-A-G. GRCh37 (hg19) VCF-style: chr2-109383852-A-G.
Other names: short protein forms Q2286R.
Identifiers: ClinVar variation 649443 (VCV000649443.11), dbSNP rs1573820153, ClinGen allele CA348076487.
Genomic context (GRCh38, chr2:108,767,396, plus strand): 5'-GATTTAACTTCAGTTTTAAATCTGCTTTGAGTCCATCTAAGTCTCCTGCCAAGTTGAATC[A>G]GAGTGGGACTTCAGTTGGCACTGATGAAGAATCTGATGTTACTCAAGAAGAAGAGAGAGA-3'
Protein context (NP_006258.3, residues 2276-2296): SPSKSPAKLN[Gln2286Arg]SGTSVGTDEE

ClinVar aggregate classification (germline): Uncertain significance (1 of 4 stars; one submission).

Conditions:
Familial acute necrotizing encephalopathy (IIAE3). Also called: Susceptibility to Acute Necrotizing Encephalopathy 1; ENCEPHALOPATHY, ACUTE, INFECTION-INDUCED, SUSCEPTIBILITY TO, 3. Identifiers: Orphanet 88619, MedGen C2675556, MONDO:0011953, OMIM 608033.

gnomAD v4.1: 2 of 1,612,038 alleles (0.00012%); no homozygotes.

Submission:

Labcorp Genetics (formerly Invitae), Labcorp
Classification: Uncertain significance for Familial acute necrotizing encephalopathy. Last evaluated: 2020-10-19. Review status: criteria provided, single submitter. Criteria: Invitae Variant Classification Sherloc (09022015). Collection method: clinical testing. Allele origin: germline.
Comment: Algorithms developed to predict the effect of missense changes on protein structure and function (SIFT, PolyPhen-2, Align-GVGD) all suggest that this variant is likely to be disruptive, but these predictions have not been confirmed by published functional studies and their clinical significance is uncertain. In summary, the available evidence is currently insufficient to determine the role of this variant in disease. Therefore, it has been classified as a Variant of Uncertain Significance. This variant has not been reported in the literature in individuals with RANBP2-related disease. This variant is not present in population databases (ExAC no frequency). This sequence change replaces glutamine with arginine at codon 2286 of the RANBP2 protein (p.Gln2286Arg). The glutamine residue is highly conserved and there is a small physicochemical difference between glutamine and arginine.